The following is an entry in ClinVar:

NM_000264.5(PTCH1):c.2194C>T (p.Leu732Phe)

Genes: PTCH1 (patched 1; minus strand), LOC100507346 (uncharacterized LOC100507346; plus strand). Cytogenetic location: 9q22.32.
Variant type: single nucleotide variant.
Coding change: c.2194C>T on transcript NM_000264.5 (MANE Select); coding-DNA position 2194, C replaced by T.
Protein change: p.Leu732Phe; replaces leucine 732 with phenylalanine.
Molecular consequence: missense variant. On other transcripts: non-coding transcript variant (2).
Genome position (GRCh38, 1-based): chr9:95,468,807, G>A on the plus strand (C>T on the coding strand, the complement: PTCH1 is on the minus strand). VCF-style: chr9-95468807-G-A. GRCh37 (hg19) VCF-style: chr9-98231089-G-A.
Other names: c.1996C>T, p.Leu666Phe (NM_001083602.3); c.2191C>T, p.Leu731Phe (NM_001083603.3); c.1741C>T, p.Leu581Phe (NM_001083604.3, NM_001083605.3, NM_001083606.3 and 1 more transcripts); c.2038C>T, p.Leu680Phe (NM_001354918.2); short protein forms L732F, L680F, L581F, L666F, L731F.
Identifiers: ClinVar variation 1787462 (VCV001787462.2), dbSNP rs2118028787, ClinGen allele CA374115374.

ClinVar aggregate classification (germline): Uncertain significance (1 of 4 stars; one submission).

Conditions:
Hereditary cancer-predisposing syndrome. Also called: Neoplastic Syndromes, Hereditary; Tumor predisposition; Hereditary Cancer Syndrome; Hereditary neoplastic syndrome. Identifiers: Orphanet 140162, MedGen C0027672, MeSH D009386, MONDO:0015356.

Submission:

Ambry Genetics
Classification: Uncertain significance for Hereditary cancer-predisposing syndrome. Last evaluated: 2022-09-28. Review status: criteria provided, single submitter. Criteria: Ambry Variant Classification Scheme 2023. Collection method: clinical testing. Allele origin: germline.
Comment: The p.L732F variant (also known as c.2194C>T), located in coding exon 14 of the PTCH1 gene, results from a C to T substitution at nucleotide position 2194. The leucine at codon 732 is replaced by phenylalanine, an amino acid with highly similar properties. This amino acid position is conserved. In addition, the in silico prediction for this alteration is inconclusive. Since supporting evidence is limited at this time, the clinical significance of this alteration remains unclear.